The following is an entry in ClinVar:

ClinVar aggregate classification (germline): Uncertain significance (1 of 4 stars; one submission).

Conditions:
SPG7-related disorder. Also called: SPG7-related condition.

Submission:

PreventionGenetics, part of Exact Sciences
Classification: Uncertain significance for SPG7-related condition. Last evaluated: 2026-06-29. Review status: criteria provided, single submitter. Criteria: ACMG Guidelines, 2015. Collection method: clinical testing. Allele origin: germline.
Comment: The SPG7 c.1379dupA variant is predicted to result in a frameshift and premature protein termination (p.Thr461Aspfs*54). To our knowledge, this variant has not been reported in the literature. This variant is deep intronic in an alternative transcript NM_003119:c.1324+4183dupA (Intronic). This variant is reported in 0.025% of alleles in individuals of African descent in gnomAD. Although we suspect that this variant may be pathogenic, at this time the significance of this variant is uncertain.

NM_003119.4(SPG7):c.1324+4183dup

Gene: SPG7 (SPG7 matrix AAA peptidase subunit, paraplegin; plus strand). Cytogenetic location: 16q24.3.
Variant type: Duplication.
Coding change: c.1324+4183dup on transcript NM_003119.4 (MANE Select); 4183 bases into the intron after coding-DNA position 1324, one base duplicated (A; older notation c.1324+4183dupA).
Molecular consequence: intron variant. On other transcripts: frameshift variant (1).
Genome position (GRCh38, 1-based): chr16:89,536,819, A duplicated; the last of 3 consecutive A bases (chr16:89,536,817-89,536,819); duplicating any one gives the same sequence. VCF-style (leftmost placement, unchanged base first): chr16-89536816-G-GA. GRCh37 (hg19) VCF-style: chr16-89603224-G-GA.
Other names: c.1379dup, p.Thr461fs (NM_199367.3); c.1324+4183dup (NM_001363850.1); short protein forms T461fs.
Identifiers: ClinVar variation 4990341 (VCV004990341.1).